The following is an entry in ClinVar:

ClinVar aggregate classification (germline): Uncertain significance. Review status: criteria provided, multiple submitters, no conflicts (2 of 4 stars). 2 submissions from 2 submitters: Uncertain significance (2). Last evaluated 2025-09-05.

Conditions:
Inborn genetic diseases. Identifiers: MedGen C0950123, MeSH D030342.

Allele frequency attached by ClinVar (database versions not stated): TOPMed 0.00003.
gnomAD v4.1: 10 of 1,614,094 alleles (0.00062%); highest among the groups gnomAD compares: African/African-American, 0.013%; no homozygotes.

Submissions (2):

Ambry Genetics
Classification: Uncertain significance for Inborn genetic diseases. Last evaluated: 2025-09-05. Review status: criteria provided, single submitter. Criteria: Ambry Variant Classification Scheme 2023. Collection method: clinical testing. Allele origin: germline.

Labcorp Genetics (formerly Invitae), Labcorp
Classification: Uncertain significance. Last evaluated: 2022-10-28. Review status: criteria provided, single submitter. Criteria: Invitae Variant Classification Sherloc (09022015). Collection method: clinical testing. Allele origin: germline.
Comment: This variant is present in population databases (no rsID available, gnomAD 0.007%). In summary, the available evidence is currently insufficient to determine the role of this variant in disease. Therefore, it has been classified as a Variant of Uncertain Significance. Advanced modeling of protein sequence and biophysical properties (such as structural, functional, and spatial information, amino acid conservation, physicochemical variation, residue mobility, and thermodynamic stability) performed at Invitae indicates that this missense variant is not expected to disrupt LEMD3 protein function. This variant has not been reported in the literature in individuals affected with LEMD3-related conditions. This sequence change replaces proline, which is neutral and non-polar, with arginine, which is basic and polar, at codon 370 of the LEMD3 protein (p.Pro370Arg).

NM_014319.5(LEMD3):c.1109C>G (p.Pro370Arg)

Genes: LEMD3 (LEM domain containing 3; plus strand), LOC130008225 (ATAC-STARR-seq lymphoblastoid active region 6608; plus strand). Cytogenetic location: 12q14.3.
Variant type: single nucleotide variant.
Coding change: c.1109C>G on transcript NM_014319.5 (MANE Select); coding-DNA position 1109, C replaced by G.
Protein change: p.Pro370Arg; replaces proline 370 with arginine.
Molecular consequence: missense variant.
Genome position (GRCh38, 1-based): chr12:65,170,705, C>G. VCF-style: chr12-65170705-C-G. GRCh37 (hg19) VCF-style: chr12-65564485-C-G.
Other names: c.1109C>G (NM_014319.4); c.1109C>G, p.Pro370Arg (NM_001167614.2); short protein forms P370R.
Identifiers: ClinVar variation 2900783 (VCV002900783.4), dbSNP rs201542546, ClinGen allele CA385675049.